The following is an entry in ClinVar:

NM_004369.4(COL6A3):c.2354A>C (p.Glu785Ala)

Gene: COL6A3 (collagen type VI alpha 3 chain; minus strand). Cytogenetic location: 2q37.3.
Variant type: single nucleotide variant.
Coding change: c.2354A>C on transcript NM_004369.4 (MANE Select); coding-DNA position 2354, A replaced by C.
Protein change: p.Glu785Ala; replaces glutamic acid 785 with alanine.
Molecular consequence: missense variant. On other transcripts: intron variant (1).
Genome position (GRCh38, 1-based): chr2:237,378,779, T>G on the plus strand (A>C on the coding strand, the complement: COL6A3 is on the minus strand). VCF-style: chr2-237378779-T-G. GRCh37 (hg19) VCF-style: chr2-238287422-T-G.
Other names: c.1133A>C, p.Glu378Ala (NM_057164.5); c.1736A>C, p.Glu579Ala (NM_057165.5, NM_057167.4); c.677-1435A>C (NM_057166.5); c.2354A>C (NM_004369.3); short protein forms E785A, E378A, E579A.
Identifiers: ClinVar variation 502732 (VCV000502732.6), dbSNP rs1312895317, ClinGen allele CA351213051.
Genomic context (GRCh38, chr2:237,378,779, plus strand): 5'-AGGGAGCTGAAATCATCCATGAGATACACCAGGCTTGGGTTAAAAGCAATCTGCTCAAGC[T>G]CTGCCTTATTCGCCTGGCTAGCTCCCACACAAAAAGTCAGGATGCCCGCGCGTGTCAAGG-3'
Protein context (NP_004360.2, residues 775-795): CVGASQANKA[Glu785Ala]LEQIAFNPSL

ClinVar aggregate classification (germline): Uncertain significance. Review status: criteria provided, multiple submitters, no conflicts (2 of 4 stars). 2 submissions from 2 submitters: Uncertain significance (2). Last evaluated 2025-10-23.

Allele frequency attached by ClinVar (database versions not stated): gnomAD 0.00001.
gnomAD v4.1: 4 of 1,614,126 alleles (0.00025%); highest among the groups gnomAD compares: Non-Finnish European, 0.00034%; no homozygotes.

Submissions (2):

Athena Diagnostics
Classification: Uncertain significance. Last evaluated: 2025-10-23. Review status: criteria provided, single submitter. Criteria: Athena Diagnostics Criteria. Collection method: clinical testing. Allele origin: unknown.
Comment: Available data are insufficient to determine the clinical significance of the variant at this time. The frequency of this variant in the general population is uninformative in assessment of its pathogenicity. Polyphen and MutationTaster predict this amino acid change may be damaging to the protein.

Eurofins Ntd Llc (ga)
Classification: Uncertain significance. Last evaluated: 2017-06-27. Review status: criteria provided, single submitter. Criteria: EGL Classification Definitions 2015. Collection method: clinical testing. Allele origin: germline. Observed: 1 variant allele, 1 heterozygote.